The following is an entry in ClinVar:

NM_000168.6(GLI3):c.539G>A (p.Arg180Gln)

Gene: GLI3 (GLI family zinc finger 3; minus strand). Cytogenetic location: 7p14.1.
Variant type: single nucleotide variant.
Coding change: c.539G>A on transcript NM_000168.6 (MANE Select); coding-DNA position 539, G replaced by A.
Protein change: p.Arg180Gln; replaces arginine 180 with glutamine.
Molecular consequence: missense variant.
Genome position (GRCh38, 1-based): chr7:42,048,631, C>T on the plus strand (G>A on the coding strand, the complement: GLI3 is on the minus strand). VCF-style: chr7-42048631-C-T. GRCh37 (hg19) VCF-style: chr7-42088230-C-T.
Other names: short protein forms R180Q.
Identifiers: ClinVar variation 643390 (VCV000643390.16), dbSNP rs140772904, ClinGen allele CA4231149.
Genomic context (GRCh38, chr7:42,048,631, plus strand): 5'-TAGGGATTAATGTAGGGATGTGGAGGGCTGAAGGGAGACTCGGAAGCAGCAGTGGGGTTC[C>T]GGTGTGGGGAGATCCTAATGAAGGGCAGGTCCGGATACGTAGGGCTACTAGATAAGGCGG-3'
Protein context (NP_000159.3, residues 170-190): DLPFIRISPH[Arg180Gln]NPTAASESPF

ClinVar aggregate classification (germline): Conflicting classifications of pathogenicity. Review status: criteria provided, conflicting classifications (1 of 4 stars). 4 submissions from 4 submitters: Uncertain significance (1); Benign (1). 2 of the submissions do not count toward it. Last evaluated 2024-09-24.

Conditions:
Greig cephalopolysyndactyly syndrome (GCPS). Also called: POLYSYNDACTYLY WITH PECULIAR SKULL SHAPE; GLI3-Related Greig Cephalopolysyndactyly Syndrome; Greig syndrome. Identifiers: Orphanet 380, MedGen C0265306, MONDO:0008287, OMIM 175700.
Pallister-Hall syndrome (PHS). Also called: HYPOTHALAMIC HAMARTOBLASTOMA, HYPOPITUITARISM, IMPERFORATE ANUS, AND POSTAXIAL POLYDACTYLY; GLI3-Related Pallister-Hall Syndrome. Identifiers: Orphanet 672, MedGen C0265220, MONDO:0007804, OMIM 146510.
GLI3-related disorder. Also called: GLI3-related condition; GLI3-related disorders. Identifiers: MedGen CN239292.
Polysyndactyly 4. Also called: Polysyndactyly uncomplicated; Preaxial polydactyly 4. Identifiers: Orphanet 93338, MedGen C1868111, MONDO:0008272, OMIM 174700.
Polydactyly, postaxial, type A1. Identifiers: MedGen C4282400, MONDO:0008266, OMIM 174200.

Allele frequency attached by ClinVar (database versions not stated): ExAC 0.00004; gnomAD exomes 0.00005 and 0.00006; gnomAD 0.00009 and 0.00010; TOPMed 0.00010; 1000 Genomes Project 30x 0.00016; 1000 Genomes Project 0.00020; ESP Exome Variant Server 0.00031.
gnomAD v4.1: 103 of 1,610,470 alleles (0.0064%); highest among the groups gnomAD compares: Non-Finnish European, 0.0078%; no homozygotes.

Submissions (4):

Labcorp Genetics (formerly Invitae), Labcorp
Classification: Benign for Pallister-Hall syndrome; Greig cephalopolysyndactyly syndrome. Last evaluated: 2024-09-24. Review status: criteria provided, single submitter. Criteria: Invitae Variant Classification Sherloc (09022015). Collection method: clinical testing. Allele origin: germline.

Fulgent Genetics
Classification: Uncertain significance for Pallister-Hall syndrome; Polydactyly, postaxial, type A1; Polysyndactyly 4; Greig cephalopolysyndactyly syndrome. Last evaluated: 2024-03-29. Review status: criteria provided, single submitter. Criteria: ACMG Guidelines, 2015. Collection method: clinical testing. Allele origin: germline.

PreventionGenetics, part of Exact Sciences
Classification: Uncertain significance for GLI3-related condition. Last evaluated: 2024-01-04. Review status: no assertion criteria provided. Collection method: clinical testing. Allele origin: germline. Not counted in ClinVar's aggregate classification.
Comment: The GLI3 c.539G>A variant is predicted to result in the amino acid substitution p.Arg180Gln. This variant was reported in the heterozygous state in an individual with bilateral echogenic kidneys, craniosynostosis, and mild learning disability (Fam. ID B2328, Idn. ID 44, Connaughton et al. 2019. PubMed ID: 30773290). Of note, the variant was paternally-inherited in that patient, however it was not known if the father was affected. This variant is reported in 0.012% of alleles in individuals of European (Non-Finnish) descent in gnomAD. Although we suspect that this variant may be pathogenic, at this time, the clinical significance of this variant is uncertain due to the absence of conclusive functional and genetic evidence.

Yale Center for Mendelian Genomics, Yale University
Classification: Likely pathogenic for Greig cephalopolysyndactyly syndrome. Last evaluated: 2019-02-14. Review status: no assertion criteria provided. Collection method: literature only. Allele origin: germline. Affected: yes. Observed: 1 compound heterozygote. Study: Yale Center for Mendelian Genomics. Not counted in ClinVar's aggregate classification.

Literature cited by the submitters: PubMed 30773290 (cited by Yale Center for Mendelian Genomics, Yale University).